The following is an entry in ClinVar:

NM_000256.3(MYBPC3):c.1504del (p.Arg502fs)

Gene: MYBPC3 (myosin binding protein C3; minus strand). Cytogenetic location: 11p11.2.
Variant type: Deletion.
Coding change: c.1504del on transcript NM_000256.3 (MANE Select); coding-DNA position 1504, one base deleted (C; older notation c.1504delC).
Protein change: p.Arg502fs; shifts the reading frame from arginine 502.
Molecular consequence: frameshift variant.
Genome position (GRCh38, 1-based): chr11:47,342,698, G deleted on the plus strand (C on the coding strand, the reverse complement: MYBPC3 is on the minus strand); the first of 2 consecutive G bases (chr11:47,342,698-47,342,699); deleting either gives the same sequence. VCF-style (leftmost placement, unchanged base first): chr11-47342697-CG-C. GRCh37 (hg19) VCF-style: chr11-47364248-CG-C.
Other names: c.1504del, p.Arg502fs (LRG_386t1); c.1504delC (NM_000256.3); short protein forms R502fs.
Identifiers: ClinVar variation 504065 (VCV000504065.9), dbSNP rs1555122188, ClinGen allele CA658797634.
Genomic context (GRCh38, chr11:47,342,697, plus strand): 5'-GCGTCCTCCAGCATGGCCTCGTTGATGATCAGGTGGTGTCTCTGCCCGTCCTTCTTGAAC[CG>C]GTATTTGAAGGTCTCCTCCCGGGTCAGCTCCACCCCGTCCTTCAGCCTAGCCGGGTGGGT-3'

ClinVar aggregate classification (germline): Pathogenic/Likely pathogenic. Review status: criteria provided, multiple submitters, no conflicts (2 of 4 stars). 2 submissions from 2 submitters: Pathogenic (1); Likely pathogenic (1). Last evaluated 2020-01-08.

Conditions:
Hypertrophic cardiomyopathy. Also called: HYPERTROPHIC MYOCARDIOPATHY. Identifiers: Orphanet 217569, MedGen C0007194, MeSH D002312, MONDO:0005045, HP:0001639.

Submissions (2):

Labcorp Genetics (formerly Invitae), Labcorp
Classification: Pathogenic for Hypertrophic cardiomyopathy. Last evaluated: 2020-01-08. Review status: criteria provided, single submitter. Criteria: Invitae Variant Classification Sherloc (09022015). Collection method: clinical testing. Allele origin: germline.
Comment: For these reasons, this variant has been classified as Pathogenic. Loss-of-function variants in MYBPC3 are known to be pathogenic (PMID: 19574547). This variant has not been reported in the literature in individuals with MYBPC3-related conditions. ClinVar contains an entry for this variant (Variation ID: 504065). This variant is not present in population databases (ExAC no frequency). This sequence change creates a premature translational stop signal (p.Arg502Glyfs*11) in the MYBPC3 gene. It is expected to result in an absent or disrupted protein product.

GeneDx
Classification: Likely pathogenic. Last evaluated: 2018-01-09. Review status: criteria provided, single submitter. Criteria: GeneDx Variant Classification (06012015). Collection method: clinical testing. Allele origin: germline. Affected: yes.
Comment: Although the c.1504delC variant in the MYBPC3 gene has not been reported to our knowledge, this variant causes a shift in reading frame starting at codon arginine 502, changing it to a glycine, and creating a premature stop codon at position 11 of the new reading frame, denoted p.Arg502GlyfsX11. This pathogenic variant is expected to result in either an abnormal, truncated protein product or loss of protein from this allele through nonsense-mediated mRNA decay. Other downstream frameshift variants in the MYBPC3 gene have been reported in Human Gene Mutation Database in association with cardiomyopathy (Stenson et al., 2014), in a gene for which loss-of-function is a known mechanism of disease. Furthermore, the c.1504delC variant has not been observed in large population cohorts (Lek et al., 2016).

Literature cited by the submitters: PubMed 19574547 (cited by Labcorp Genetics (formerly Invitae), Labcorp).